The following is an entry in ClinVar:

NM_139242.4(MTFMT):c.11T>C (p.Leu4Ser)

Genes: MTFMT (mitochondrial methionyl-tRNA formyltransferase; minus strand), LOC130057309 (ATAC-STARR-seq lymphoblastoid silent region 6550; plus strand). Cytogenetic location: 15q22.31.
Variant type: single nucleotide variant.
Coding change: c.11T>C on transcript NM_139242.4 (MANE Select); coding-DNA position 11, T replaced by C.
Protein change: p.Leu4Ser; replaces leucine 4 with serine.
Molecular consequence: missense variant.
Genome position (GRCh38, 1-based): chr15:65,029,603, A>G on the plus strand (T>C on the coding strand, the complement: MTFMT is on the minus strand). VCF-style: chr15-65029603-A-G. GRCh37 (hg19) VCF-style: chr15-65321941-A-G.
Other names: c.11T>C (NM_139242.3); short protein forms L4S.
Identifiers: ClinVar variation 1910066 (VCV001910066.7), dbSNP rs763275192, ClinGen allele CA7613446.

ClinVar aggregate classification (germline): Uncertain significance. Review status: criteria provided, multiple submitters, no conflicts (2 of 4 stars). 3 submissions from 3 submitters: Uncertain significance (3). Last evaluated 2024-09-08.

Conditions:
Inborn genetic diseases. Identifiers: MedGen C0950123, MeSH D030342.

Allele frequency attached by ClinVar (database versions not stated): gnomAD 0.00001; TOPMed 0.00001; ExAC 0.00013.
gnomAD v4.1: 40 of 1,426,048 alleles (0.0028%); highest among the groups gnomAD compares: South Asian, 0.02%; no homozygotes.

Submissions (3):

Ambry Genetics
Classification: Uncertain significance for Inborn genetic diseases. Last evaluated: 2024-09-08. Review status: criteria provided, single submitter. Criteria: Ambry Variant Classification Scheme 2023. Collection method: clinical testing. Allele origin: germline.

Blueprint Genetics
Classification: Uncertain significance. Last evaluated: 2024-03-25. Review status: criteria provided, single submitter. Criteria: ACMG Guidelines, 2015. Collection method: clinical testing. Allele origin: germline.

Labcorp Genetics (formerly Invitae), Labcorp
Classification: Uncertain significance. Last evaluated: 2022-08-02. Review status: criteria provided, single submitter. Criteria: Invitae Variant Classification Sherloc (09022015). Collection method: clinical testing. Allele origin: germline.
Comment: In summary, the available evidence is currently insufficient to determine the role of this variant in disease. Therefore, it has been classified as a Variant of Uncertain Significance. Algorithms developed to predict the effect of missense changes on protein structure and function are either unavailable or do not agree on the potential impact of this missense change (SIFT: "Deleterious"; PolyPhen-2: "Benign"; Align-GVGD: "Class C0"). This variant has not been reported in the literature in individuals affected with MTFMT-related conditions. This variant is present in population databases (rs763275192, gnomAD 0.03%). This sequence change replaces leucine, which is neutral and non-polar, with serine, which is neutral and polar, at codon 4 of the MTFMT protein (p.Leu4Ser).